The following is an entry in ClinVar:

NM_000059.4(BRCA2):c.516+2T>A

Gene: BRCA2 (BRCA2 DNA repair associated; plus strand). Cytogenetic location: 13q13.1.
Variant type: single nucleotide variant.
Coding change: c.516+2T>A on transcript NM_000059.4 (MANE Select); the canonical splice donor site of the intron after coding-DNA position 516, T replaced by A.
Molecular consequence: splice donor variant.
Genome position (GRCh38, 1-based): chr13:32,326,284, T>A. VCF-style: chr13-32326284-T-A. GRCh37 (hg19) VCF-style: chr13-32900421-T-A.
Other names: c.516+2T>A (NM_001406720.1, NM_001406719.1, NM_001406721.1); c.147+2T>A (NM_001406722.1).
Identifiers: ClinVar variation 51789 (VCV000051789.18), dbSNP rs397507764, ClinGen allele CA021489.

ClinVar aggregate classification (germline): Pathogenic/Likely pathogenic. Review status: criteria provided, multiple submitters, no conflicts (2 of 4 stars). 6 submissions from 6 submitters: Pathogenic (5); Likely pathogenic (1). Last evaluated 2025-08-01.

Conditions:
Hereditary cancer-predisposing syndrome. Also called: Tumor predisposition; Neoplastic Syndromes, Hereditary; Hereditary Cancer Syndrome; Hereditary neoplastic syndrome. Identifiers: Orphanet 140162, MedGen C0027672, MeSH D009386, MONDO:0015356.
Hereditary breast ovarian cancer syndrome. Also called: Hereditary breast and ovarian cancer syndrome (HBOC); Hereditary breast and ovarian cancer syndrome; Hereditary breast and ovarian cancer; Hereditary breast and/or ovarian cancer syndrome; Breast and ovarian cancer; BRCA1- and BRCA2-Associated Hereditary Breast and Ovarian Cancer. Identifiers: Orphanet 145, MedGen C0677776, MeSH D061325, MONDO:0003582. Disease mechanism: loss of function.
Breast-ovarian cancer, familial, susceptibility to, 2 (BROVCA2). Also called: BRCA2 Hereditary Breast and Ovarian Cancer. Identifiers: Orphanet 145, MedGen C2675520, MONDO:0012933, OMIM 612555. Disease mechanism: loss of function.
Breast-ovarian cancer, familial, susceptibility to, 1 (BROVCA1). Also called: OVARIAN CANCER, SUSCEPTIBILITY TO; BRCA1 Hereditary Breast and Ovarian Cancer. Identifiers: Orphanet 145, MedGen C2676676, MONDO:0011450, OMIM 604370. Disease mechanism: loss of function.

Submissions (6):

Institute of Immunology and Genetics Kaiserslautern
Classification: Pathogenic for Breast-ovarian cancer, familial, susceptibility to, 1. Last evaluated: 2025-08-01. Review status: criteria provided, single submitter. Criteria: ACMG Guidelines, 2015. Collection method: clinical testing. Allele origin: germline. Affected: yes.
Comment: ACMG Criteria: PVS1, PM2, PP3, PP5.

German Consortium for Hereditary Breast and Ovarian Cancer, University Hospital Cologne
Classification: Likely pathogenic for Hereditary breast ovarian cancer syndrome. Last evaluated: 2024-11-11. Review status: criteria provided, single submitter. Criteria: ClinGen BRCA2 V1.1.0. Collection method: curation. Allele origin: germline.
Comment: According to the ClinGen ENIGMA BRCA2 v1.1.0 criteria we chose these criteria: PVS1 (very strong pathogenic): PVS1_RNA as per ENIGMA/ClinGen Figure 6 (Supplements), PM2 (supporting pathogenic): not in gnomAD V/2/3/4

Institute of Human Genetics, FAU Erlangen, Friedrich-Alexander-Universität Erlangen-Nürnberg
Classification: Pathogenic. Last evaluated: 2024-05-07. Review status: criteria provided, single submitter. Criteria: Hauer et al. (Genet Med. 2018). Collection method: clinical testing. Allele origin: germline. Inheritance: Unknown mechanism. Affected: yes. Observed: 1 variant allele.
Comment: This variant has been identified by standard clinical testing.

Ambry Genetics
Classification: Pathogenic for Hereditary cancer-predisposing syndrome. Last evaluated: 2022-12-16. Review status: criteria provided, single submitter. Criteria: Ambry Variant Classification Scheme 2023. Collection method: clinical testing. Allele origin: germline.
Comment: The c.516+2T>A intronic pathogenic mutation results from a T to A substitution two nucleotides after coding exon 5 in the BRCA2 gene. This nucleotide position is highly conserved in available vertebrate species. In silico splice site analysis predicts that this alteration will weaken the native splice donor site. RNA studies have demonstrated that this alteration as well as multiple other alterations impacting the same donor site result in abnormal splicing (Ambry internal data; Montalban G et al. Hum Mutat, 2019 12;40:2296-2317; Meindl A et al. Int J Cancer, 2002 Feb;97:472-80; Houdayer C et al. Hum Mutat, 2012 Aug;33:1228-38; Hansen TV et al. Breast Cancer Res Treat, 2010 Feb;119:547-50; Claes K et al. Genes Chromosomes Cancer, 2003 Jul;37:314-20; Whiley PJ et al. Hum Mutat, 2011 Jun;32:678-87; Fraile-Bethencourt E et al. J Pathol, 2019 08;248:409-420; Rodr&iacute;guez-Balada M et al. Cancer Genet, 2016 Nov;209:487-492.) Based on the supporting evidence, this alteration is interpreted as a disease-causing mutation.

Labcorp Genetics (formerly Invitae), Labcorp
Classification: Pathogenic for Hereditary breast ovarian cancer syndrome. Last evaluated: 2019-11-12. Review status: criteria provided, single submitter. Criteria: Invitae Variant Classification Sherloc (09022015). Collection method: clinical testing. Allele origin: germline.
Comment: For these reasons, this variant has been classified as Pathogenic. This sequence change affects a donor splice site in intron 6 of the BRCA2 gene. It is expected to disrupt RNA splicing and likely results in an absent or disrupted protein product. This variant is not present in population databases (ExAC no frequency). This variant has been observed in individual(s) with clinical features of hereditary breast and ovarian cancer syndrome (PMID: 11802209, 29446198, 27886673). This variant is also known as IVS6+2T>A in the literature. ClinVar contains an entry for this variant (Variation ID: 51789). Experimental studies have shown that this variant disrupts mRNA splicing (PMID: 31343793). Donor and acceptor splice site variants typically lead to a loss of protein function (PMID: 16199547), and loss-of-function variants in BRCA2 are known to be pathogenic (PMID: 20104584).

Consortium of Investigators of Modifiers of BRCA1/2 (CIMBA), c/o University of Cambridge
Classification: Pathogenic for Breast-ovarian cancer, familial, susceptibility to, 2. Last evaluated: 2015-10-02. Review status: criteria provided, single submitter. Criteria: CIMBA Mutation Classification guidelines May 2016. Collection method: clinical testing. Allele origin: germline.

Literature cited by the submitters: PubMed 11802209 (cited by Ambry Genetics and Labcorp Genetics (formerly Invitae), Labcorp); PubMed 12759930 (cited by Ambry Genetics); PubMed 19267246 (cited by Ambry Genetics); PubMed 21394826 (cited by Ambry Genetics); PubMed 22505045 (cited by Ambry Genetics); PubMed 27886673 (cited by Ambry Genetics and Labcorp Genetics (formerly Invitae), Labcorp); PubMed 29446198 (cited by Ambry Genetics and Labcorp Genetics (formerly Invitae), Labcorp); PubMed 30883759 (cited by Ambry Genetics); PubMed 31343793 (cited by Ambry Genetics and Labcorp Genetics (formerly Invitae), Labcorp); PubMed 16199547 (cited by Labcorp Genetics (formerly Invitae), Labcorp); PubMed 20104584 (cited by Labcorp Genetics (formerly Invitae), Labcorp).